The following is an entry in ClinVar:

ClinVar aggregate classification (germline): Uncertain significance (1 of 4 stars; one submission).

Submission:

GeneDx
Classification: Uncertain significance. Last evaluated: 2019-08-09. Review status: criteria provided, single submitter. Criteria: GeneDx Variant Classification Process June 2021. Collection method: clinical testing. Allele origin: germline. Affected: yes.
Comment: Not observed in large population cohorts (Lek et al., 2016); Has not been previously published as pathogenic or benign to our knowledge; In silico analysis, which includes splice predictors and evolutionary conservation, suggests this variant may impact gene splicing; however, in the absence of RNA/functional studies, the actual effect of this variant is unknown

NM_080680.3(COL11A2):c.2628+3delinsAA

Gene: COL11A2 (collagen type XI alpha 2 chain; minus strand). Cytogenetic location: 6p21.32.
Variant type: Indel.
Coding change: c.2628+3delinsAA on transcript NM_080680.3 (MANE Select); 3 bases into the intron after coding-DNA position 2628, G replaced by AA.
Molecular consequence: intron variant.
Genome position (GRCh38, 1-based): chr6:33,173,698, C replaced by TT on the plus strand (G replaced by AA on the coding strand, the reverse complement: COL11A2 is on the minus strand). VCF-style: chr6-33173698-C-TT. GRCh37 (hg19) VCF-style: chr6-33141475-C-TT.
Other names: c.1602+3delinsAA (NM_001424111.1, NM_001424110.1); c.2307+3delinsAA (NM_080679.3); c.2370+3delinsAA (NM_080681.3); c.2448+3delinsAA (NM_001424108.1); c.1782+3delinsAA (NM_001424109.1); c.582+3delinsAA (NM_001424112.1).
Identifiers: ClinVar variation 1307871 (VCV001307871.2), dbSNP rs2150557381, ClinGen allele CA2573052675.